The following is an entry in ClinVar:

ClinVar aggregate classification (germline): Conflicting classifications of pathogenicity. Review status: criteria provided, conflicting classifications (1 of 4 stars). 2 submissions from 2 submitters: Uncertain significance (1); Benign (1). Last evaluated 2026-02-03.

Conditions:
Primary ciliary dyskinesia. Also called: Ciliary dyskinesia. Identifiers: Orphanet 244, MedGen C0008780, MONDO:0016575, HP:0012265.

Allele frequency attached by ClinVar (database versions not stated): gnomAD 0.00001; ExAC 0.00003; gnomAD exomes 0.00003; ESP Exome Variant Server 0.00008.
gnomAD v4.1: 46 of 1,613,294 alleles (0.0029%); highest among the groups gnomAD compares: Non-Finnish European, 0.0039%; no homozygotes.

Submissions (2):

Labcorp Genetics (formerly Invitae), Labcorp
Classification: Benign for Primary ciliary dyskinesia. Last evaluated: 2026-02-03. Review status: criteria provided, single submitter. Criteria: Invitae Variant Classification Sherloc (09022015). Collection method: clinical testing. Allele origin: germline.

Ambry Genetics
Classification: Uncertain significance for Primary ciliary dyskinesia. Last evaluated: 2025-06-01. Review status: criteria provided, single submitter. Criteria: Ambry Variant Classification Scheme 2023. Collection method: clinical testing. Allele origin: germline.
Comment: The p.V584I variant (also known as c.1750G>A), located in coding exon 10 of the DNAH11 gene, results from a G to A substitution at nucleotide position 1750. The valine at codon 584 is replaced by isoleucine, an amino acid with highly similar properties. This amino acid position is conserved. In addition, this alteration is predicted to be tolerated by in silico analysis. Based on the available evidence, the clinical significance of this variant remains unclear.

NM_001277115.2(DNAH11):c.1750G>A (p.Val584Ile)

Gene: DNAH11 (dynein axonemal heavy chain 11; plus strand). Cytogenetic location: 7p15.3.
Variant type: single nucleotide variant.
Coding change: c.1750G>A on transcript NM_001277115.2 (MANE Select); coding-DNA position 1750, G replaced by A.
Protein change: p.Val584Ile; replaces valine 584 with isoleucine.
Molecular consequence: missense variant.
Genome position (GRCh38, 1-based): chr7:21,588,103, G>A. VCF-style: chr7-21588103-G-A. GRCh37 (hg19) VCF-style: chr7-21627721-G-A.
Other names: c.1750G>A (NM_001277115.1); c.1750G>A, p.Val584Ile (NM_003777.3); short protein forms V584I.
Identifiers: ClinVar variation 3008322 (VCV003008322.4), dbSNP rs371748491, ClinGen allele CA4179092.